The following is an entry in ClinVar:

NM_006206.6(PDGFRA):c.1319C>T (p.Thr440Met)

Gene: PDGFRA (platelet derived growth factor receptor alpha; plus strand). Cytogenetic location: 4q12.
Variant type: single nucleotide variant.
Coding change: c.1319C>T on transcript NM_006206.6 (MANE Select); coding-DNA position 1319, C replaced by T.
Protein change: p.Thr440Met; replaces threonine 440 with methionine.
Molecular consequence: missense variant.
Genome position (GRCh38, 1-based): chr4:54,272,475, C>T. VCF-style: chr4-54272475-C-T. GRCh37 (hg19) VCF-style: chr4-55138642-C-T.
Other names: c.1319C>T, p.Thr440Met (NM_001347827.2, NM_001347829.2); c.1394C>T, p.Thr465Met (NM_001347828.2); c.1358C>T, p.Thr453Met (NM_001347830.2); c.1319C>T (NM_006206.5); short protein forms T440M, T465M, T453M.
Identifiers: ClinVar variation 240303 (VCV000240303.24), dbSNP rs143344944, ClinGen allele CA2922519.

ClinVar aggregate classification (germline): Conflicting classifications of pathogenicity. Review status: criteria provided, conflicting classifications (1 of 4 stars). 7 submissions from 7 submitters: Uncertain significance (2); Benign (2); Likely benign (2). 1 of the submissions does not count toward it. Last evaluated 2026-06-12.

Conditions:
Polyps, multiple and recurrent inflammatory fibroid, gastrointestinal. Identifiers: MedGen C5193005, MONDO:0008285, OMIM 175510.
PDGFRA-related disorder. Also called: PDGFRA-related condition.
Hereditary cancer-predisposing syndrome. Also called: Neoplastic Syndromes, Hereditary; Hereditary neoplastic syndrome; Hereditary Cancer Syndrome; Tumor predisposition. Identifiers: Orphanet 140162, MedGen C0027672, MeSH D009386, MONDO:0015356.
Ovarian cancer. Also called: OVARIAN CANCER, SOMATIC. Identifiers: Orphanet 213500, MedGen C1140680, MONDO:0008170, OMIM 167000.
Gastrointestinal stromal tumor. Also called: Gastrointestinal stromal tumor, somatic; Gastrointestinal stroma tumor. Identifiers: Orphanet 44890, MedGen C0238198, MeSH D046152, MONDO:0011719, OMIM 606764, HP:0100723.

Allele frequency attached by ClinVar (database versions not stated): ESP Exome Variant Server 0.00008; gnomAD 0.00009 and 0.00011; gnomAD exomes 0.00009 and 0.00012; TOPMed 0.00009; ExAC 0.00012; 1000 Genomes Project 30x 0.00047; 1000 Genomes Project 0.00060.
gnomAD v4.1: 143 of 1,613,932 alleles (0.0089%); highest among the groups gnomAD compares: East Asian, 0.033%; no homozygotes.

Submissions (7):

Myriad Genetics, Inc.
Classification: Likely benign for Polyps, multiple and recurrent inflammatory fibroid, gastrointestinal. Last evaluated: 2026-06-12. Review status: criteria provided, single submitter. Criteria: Myriad Autosomal Dominant, Autosomal Recessive and X-Linked Classification Criteria (2023). Collection method: clinical testing. Allele origin: unknown.
Comment: This variant is considered likely benign. This variant has been observed at a population frequency that is significantly greater than expected given the associated disease prevalence and penetrance.

Labcorp Genetics (formerly Invitae), Labcorp
Classification: Likely benign for Gastrointestinal stromal tumor. Last evaluated: 2026-01-18. Review status: criteria provided, single submitter. Criteria: Invitae Variant Classification Sherloc (09022015). Collection method: clinical testing. Allele origin: germline.

GeneDx
Classification: Uncertain significance. Last evaluated: 2024-03-11. Review status: criteria provided, single submitter. Criteria: GeneDx Variant Classification Process June 2021. Collection method: clinical testing. Allele origin: germline. Affected: yes.
Comment: In silico analysis supports that this missense variant does not alter protein structure/function; Has not been previously published as pathogenic or benign to our knowledge

Laboratory of Molecular Epidemiology of Birth Defects, West China Second University Hospital, Sichuan University
Classification: Benign for Ovarian cancer. Last evaluated: 2022-01-01. Review status: criteria provided, single submitter. Criteria: ACMG Guidelines, 2015. Collection method: clinical testing. Allele origin: germline. Affected: yes.

Sema4
Classification: Uncertain significance for Hereditary cancer-predisposing syndrome. Last evaluated: 2021-04-02. Review status: criteria provided, single submitter. Criteria: Sema4 Curation Guidelines. Collection method: curation. Allele origin: germline.
Comment: To the best of our knowledge, the PDGFRA c.1319C>T (p.T440M) variant has not been reported in individuals with PDGFRA-related disease. It was observed in 14/19936 chromosomes of the East Asian subpopulation, with no homozygotes, in the large and broad cohorts of the Genome Aggregation Database. The variant has been reported in ClinVar (Variation ID 240303). In silico tools suggest the impact of the variant on protein function is inconclusive, though these predictions have not been confirmed by functional studies. There is no indication that this variant causes disease, but the evidence is insufficient currently to prove that conclusively. Thus, the clinical significance of this variant is currently uncertain.

Ambry Genetics
Classification: Benign for Hereditary cancer-predisposing syndrome. Last evaluated: 2019-02-28. Review status: criteria provided, single submitter. Criteria: Ambry Variant Classification Scheme 2023. Collection method: clinical testing. Allele origin: germline.

PreventionGenetics, part of Exact Sciences
Classification: Likely benign for PDGFRA-related condition. Last evaluated: 2024-02-02. Review status: no assertion criteria provided. Collection method: clinical testing. Allele origin: germline. Not counted in ClinVar's aggregate classification.
Comment: This variant is classified as likely benign based on ACMG/AMP sequence variant interpretation guidelines (Richards et al. 2015 PMID: 25741868, with internal and published modifications).